The following is an entry in ClinVar:

ClinVar aggregate classification (germline): Uncertain significance (1 of 4 stars; one submission).

gnomAD v4.1: 17 of 1,614,140 alleles (0.0011%); highest among the groups gnomAD compares: South Asian, 0.0055%; 1 homozygote.

Submission:

GeneDx
Classification: Uncertain significance. Last evaluated: 2024-02-13. Review status: criteria provided, single submitter. Criteria: GeneDx Variant Classification Process June 2021. Collection method: clinical testing. Allele origin: germline. Affected: yes.
Comment: In silico analysis supports that this missense variant does not alter protein structure/function; Has not been previously published as pathogenic or benign to our knowledge

NM_001371623.1(TCOF1):c.344C>T (p.Ala115Val)

Gene: TCOF1 (treacle ribosome biogenesis factor 1; plus strand). Cytogenetic location: 5q32.
Variant type: single nucleotide variant.
Coding change: c.344C>T on transcript NM_001371623.1 (MANE Select); coding-DNA position 344, C replaced by T.
Protein change: p.Ala115Val; replaces alanine 115 with valine.
Molecular consequence: missense variant.
Genome position (GRCh38, 1-based): chr5:150,367,883, C>T. VCF-style: chr5-150367883-C-T. GRCh37 (hg19) VCF-style: chr5-149747446-C-T.
Other names: c.344C>T, p.Ala115Val (NM_000356.4, NM_001008657.3, NM_001135243.2 and 3 more transcripts); short protein forms A115V.
Identifiers: ClinVar variation 3368949 (VCV003368949.1).
Genomic context (GRCh38, chr5:150,367,883, plus strand): 5'-GCAGATGTTTGTTTCTTGCAGCCCCAAGACTAGCATCTACCAACTCCTCAGTCCTGGGGG[C>T]GGACTTGCCATCAAGCATGAAAGAAAAAGCCAAGGTGAGTGGGACTGCCTTCCAAGCTAT-3'
Protein context (NP_001358552.1, residues 105-125): LASTNSSVLG[Ala115Val]DLPSSMKEKA